The following is an entry in ClinVar:

NM_001042492.3(NF1):c.6307dup (p.Leu2103fs)

Gene: NF1 (neurofibromin 1; plus strand). Cytogenetic location: 17q11.2.
Variant type: Duplication.
Coding change: c.6307dup on transcript NM_001042492.3 (MANE Select); coding-DNA position 6307, one base duplicated (C; older notation c.6307dupC).
Protein change: p.Leu2103fs; shifts the reading frame from leucine 2103.
Molecular consequence: frameshift variant.
Genome position (GRCh38, 1-based): chr17:31,336,794, C duplicated; the last of 2 consecutive C bases (chr17:31,336,793-31,336,794); duplicating either gives the same sequence. VCF-style (leftmost placement, unchanged base first): chr17-31336792-A-AC. GRCh37 (hg19) VCF-style: chr17-29663810-A-AC.
Other names: c.6244dup, p.Leu2082Profs (NM_000267.4); short protein forms L2082fs, L2103fs.
Identifiers: ClinVar variation 859025 (VCV000859025.6), dbSNP rs1131691125, ClinGen allele CA916080666.
Genomic context (GRCh38, chr17:31,336,792, plus strand): 5'-CACGCTACATGCTGATGCTGTCCTTCAACAATTCCCTTGATGTGGCAGCTCATCTTCCCT[A>AC]CCTCTTCCACGTTGTTACTTTCTTAGTAGCCACAGGTCCGCTCTCCCTTAGAGCTTCCAC-3'

ClinVar aggregate classification (germline): Pathogenic (1 of 4 stars; one submission).

Conditions:
Neurofibromatosis, type 1 (NF1). Also called: Neurofibromatosis, type I; VON RECKLINGHAUSEN DISEASE; Peripheral type neurofibromatosis; NEUROFIBROMATOSIS, TYPE I, SOMATIC. Identifiers: Orphanet 636, MedGen C0027831, MONDO:0018975, OMIM 162200. Disease mechanism: loss of function.

Submission:

Labcorp Genetics (formerly Invitae), Labcorp
Classification: Pathogenic for Neurofibromatosis, type 1. Last evaluated: 2024-08-19. Review status: criteria provided, single submitter. Criteria: Invitae Variant Classification Sherloc (09022015). Collection method: clinical testing. Allele origin: germline.
Comment: This sequence change creates a premature translational stop signal (p.Leu2082Profs*17) in the NF1 gene. It is expected to result in an absent or disrupted protein product. Loss-of-function variants in NF1 are known to be pathogenic (PMID: 10712197, 23913538). This variant is not present in population databases (gnomAD no frequency). This variant has not been reported in the literature in individuals affected with NF1-related conditions. ClinVar contains an entry for this variant (Variation ID: 859025). For these reasons, this variant has been classified as Pathogenic.

Literature cited by the submitters: PubMed 10712197; PubMed 23913538.